The following is an entry in ClinVar:

NM_003073.5(SMARCB1):c.736G>A (p.Glu246Lys)

Gene: SMARCB1 (SWI/SNF related BAF chromatin remodeling complex subunit B1; plus strand). Cytogenetic location: 22q11.23.
Variant type: single nucleotide variant.
Coding change: c.736G>A on transcript NM_003073.5 (MANE Select); coding-DNA position 736, G replaced by A.
Protein change: p.Glu246Lys; replaces glutamic acid 246 with lysine.
Molecular consequence: missense variant.
Genome position (GRCh38, 1-based): chr22:23,816,877, G>A. VCF-style: chr22-23816877-G-A. GRCh37 (hg19) VCF-style: chr22-24159064-G-A.
Other names: c.709G>A, p.Glu237Lys (NM_001007468.3); c.763G>A, p.Glu255Lys (NM_001317946.2); c.790G>A, p.Glu264Lys (NM_001362877.2); short protein forms E255K, E246K, E264K, E237K.
Identifiers: ClinVar variation 839989 (VCV000839989.11), dbSNP rs1930225458, ClinGen allele CA410901579.

ClinVar aggregate classification (germline): Conflicting classifications of pathogenicity. Review status: criteria provided, conflicting classifications (1 of 4 stars). 3 submissions from 3 submitters: Likely pathogenic (1); Uncertain significance (2). Last evaluated 2024-09-26.

Conditions:
Hereditary cancer-predisposing syndrome. Also called: Neoplastic Syndromes, Hereditary; Tumor predisposition; Hereditary neoplastic syndrome; Hereditary Cancer Syndrome. Identifiers: Orphanet 140162, MedGen C0027672, MeSH D009386, MONDO:0015356.
Intellectual disability, autosomal dominant 15 (CSS3). Also called: COFFIN-SIRIS SYNDROME 3. Identifiers: Orphanet 1465, MedGen C3553248, MONDO:0013820, OMIM 614608.

Submissions (3):

3billion
Classification: Likely pathogenic for Intellectual disability, autosomal dominant 15. Last evaluated: 2024-09-26. Review status: criteria provided, single submitter. Criteria: ACMG Guidelines, 2015. Collection method: clinical testing. Allele origin: germline. Affected: yes.
Comment: The variant is not observed in the gnomAD v4.0.0 dataset. Predicted Consequence/Location: Missense variant In silico tool predictions suggest damaging effect of the variant on gene or gene product [REVEL: 0.69 (>=0.6, sensitivity 0.68 and specificity 0.92); 3Cnet: 0.02 (>=0.6, sensitivity 0.72 and precision 0.9)]. The variant has been reported as of uncertain significance (ClinVar ID: VCV000839989). Therefore, this variant is classified as Likely pathogenic according to the recommendation of ACMG/AMP guideline.

Ambry Genetics
Classification: Uncertain significance for Hereditary cancer-predisposing syndrome. Last evaluated: 2024-05-22. Review status: criteria provided, single submitter. Criteria: Ambry Variant Classification Scheme 2023. Collection method: clinical testing. Allele origin: germline.
Comment: The p.E246K variant (also known as c.736G>A), located in coding exon 6 of the SMARCB1 gene, results from a G to A substitution at nucleotide position 736. The glutamic acid at codon 246 is replaced by lysine, an amino acid with similar properties. This amino acid position is conserved. In addition, this alteration is predicted to be deleterious by in silico analysis. Based on the available evidence, the clinical significance of this variant remains unclear.

Labcorp Genetics (formerly Invitae), Labcorp
Classification: Uncertain significance. Last evaluated: 2023-10-19. Review status: criteria provided, single submitter. Criteria: Invitae Variant Classification Sherloc (09022015). Collection method: clinical testing. Allele origin: germline.
Comment: This sequence change replaces glutamic acid, which is acidic and polar, with lysine, which is basic and polar, at codon 246 of the SMARCB1 protein (p.Glu246Lys). This variant is not present in population databases (gnomAD no frequency). This variant has not been reported in the literature in individuals affected with SMARCB1-related conditions. ClinVar contains an entry for this variant (Variation ID: 839989). Advanced modeling of protein sequence and biophysical properties (such as structural, functional, and spatial information, amino acid conservation, physicochemical variation, residue mobility, and thermodynamic stability) performed at Invitae indicates that this missense variant is not expected to disrupt SMARCB1 protein function. In summary, the available evidence is currently insufficient to determine the role of this variant in disease. Therefore, it has been classified as a Variant of Uncertain Significance.